The following is an entry in ClinVar:

ClinVar aggregate classification (germline): Uncertain significance (1 of 4 stars; one submission).

Conditions:
TGFBR2-related disorder. Also called: TGFBR2-related condition.

Submission:

PreventionGenetics, part of Exact Sciences
Classification: Uncertain significance for TGFBR2-related condition. Last evaluated: 2025-08-30. Review status: criteria provided, single submitter. Criteria: ACMG Guidelines, 2015. Collection method: clinical testing. Allele origin: germline.
Comment: The TGFBR2 c.446delT variant is predicted to result in a frameshift and premature protein termination (p.Phe149Serfs*14). To our knowledge, this variant has not been reported in the literature or in a large population database (gnomAD), indicating this variant is rare. Although we suspect that this variant may be pathogenic, at this time, the clinical significance of this variant is uncertain due to the absence of conclusive functional and genetic evidence.

NM_003242.6(TGFBR2):c.446del (p.Phe149fs)

Gene: TGFBR2 (transforming growth factor beta receptor 2; plus strand). Cytogenetic location: 3p24.1.
Variant type: Deletion.
Coding change: c.446del on transcript NM_003242.6 (MANE Select); coding-DNA position 446, one base deleted (T; older notation c.446delT).
Protein change: p.Phe149fs; shifts the reading frame from phenylalanine 149.
Molecular consequence: frameshift variant. On other transcripts: intron variant (2).
Genome position (GRCh38, 1-based): chr3:30,650,452, T deleted; the last of 2 consecutive T bases (chr3:30,650,451-30,650,452); deleting either gives the same sequence. VCF-style (leftmost placement, unchanged base first): chr3-30650450-CT-C. GRCh37 (hg19) VCF-style: chr3-30691942-CT-C.
Other names: c.521del, p.Phe174fs (NM_001024847.3, NM_001407126.1, NM_001407139.1); c.446del, p.Phe149fs (NM_001407127.1, NM_001407130.1); c.473del, p.Phe158fs (NM_001407128.1); c.341del, p.Phe114fs (NM_001407129.1, NM_001407132.1, NM_001407133.1 and 3 more transcripts); c.170-21186del (NM_001407137.1); c.95-21186del (NM_001407138.1); short protein forms F114fs, F149fs, F158fs, F174fs.
Identifiers: ClinVar variation 4991370 (VCV004991370.1).